The following is an entry in ClinVar:

NM_000376.3(VDR):c.560C>G (p.Ser187Ter)

Gene: VDR (vitamin D receptor; minus strand). Cytogenetic location: 12q13.11.
Variant type: single nucleotide variant.
Coding change: c.560C>G on transcript NM_000376.3 (MANE Select); coding-DNA position 560, C replaced by G.
Protein change: p.Ser187Ter; replaces serine 187 with a stop codon.
Molecular consequence: nonsense.
Genome position (GRCh38, 1-based): chr12:47,857,152, G>C on the plus strand (C>G on the coding strand, the complement: VDR is on the minus strand). VCF-style: chr12-47857152-G-C. GRCh37 (hg19) VCF-style: chr12-48250935-G-C.
Other names: c.560C>G, p.Ser187Ter (NM_001017535.2, NM_001364085.2, NM_001374661.1 and 1 more transcripts); c.710C>G, p.Ser237Ter (NM_001017536.2); short protein forms S187*, S237*.
Identifiers: ClinVar variation 2727171 (VCV002727171.3), dbSNP rs1185429975, ClinGen allele CA384518824.

ClinVar aggregate classification (germline): Pathogenic (1 of 4 stars; one submission).

gnomAD v4.1: 1 of 1,614,152 alleles (0.000062%); no homozygotes.

Submission:

Labcorp Genetics (formerly Invitae), Labcorp
Classification: Pathogenic. Last evaluated: 2023-05-26. Review status: criteria provided, single submitter. Criteria: Invitae Variant Classification Sherloc (09022015). Collection method: clinical testing. Allele origin: germline.
Comment: For these reasons, this variant has been classified as Pathogenic. This variant has not been reported in the literature in individuals affected with VDR-related conditions. This variant is present in population databases (no rsID available, gnomAD 0.004%). This sequence change creates a premature translational stop signal (p.Ser187*) in the VDR gene. It is expected to result in an absent or disrupted protein product. Loss-of-function variants in VDR are known to be pathogenic (PMID: 10204116, 24246681).

Literature cited by the submitters: PubMed 10204116; PubMed 24246681.